The following is an entry in ClinVar:

NM_001253697.2(ERBIN):c.407A>T (p.Gln136Leu)

Gene: ERBIN (erbb2 interacting protein; plus strand). Cytogenetic location: 5q12.3.
Variant type: single nucleotide variant.
Coding change: c.407A>T on transcript NM_001253697.2 (MANE Select); coding-DNA position 407, A replaced by T.
Protein change: p.Gln136Leu; replaces glutamine 136 with leucine.
Molecular consequence: missense variant.
Genome position (GRCh38, 1-based): chr5:66,013,569, A>T. VCF-style: chr5-66013569-A-T. GRCh37 (hg19) VCF-style: chr5-65309397-A-T.
Other names: c.407A>T, p.Gln136Leu (NM_001006600.3, NM_001253698.2, NM_001253699.2 and 2 more transcripts); short protein forms Q136L.
Identifiers: ClinVar variation 2999411 (VCV002999411.3), dbSNP rs892658166, ClinGen allele CA120405577.
Genomic context (GRCh38, chr5:66,013,569, plus strand): 5'-TCTTACATGAACTTAACTTAAATTCTGGTATTTTATGTAGGCTCCCTGATGGATTTTCTC[A>T]GCTGTTAAACCTAACCCAGTTGTATCTGAATGATGCTTTTCTTGAGTTCTTGCCAGCAAA-3'
Protein context (NP_001240626.1, residues 126-146): PISKLPDGFS[Gln136Leu]LLNLTQLYLN

ClinVar aggregate classification (germline): Uncertain significance (1 of 4 stars; one submission).

Allele frequency attached by ClinVar (database versions not stated): gnomAD exomes 0.00001; TOPMed 0.00011; gnomAD 0.00012.
gnomAD v4.1: 28 of 1,611,954 alleles (0.0017%); highest among the groups gnomAD compares: Admixed American, 0.035%; no homozygotes.

Submission:

Labcorp Genetics (formerly Invitae), Labcorp
Classification: Uncertain significance. Last evaluated: 2023-05-18. Review status: criteria provided, single submitter. Criteria: Invitae Variant Classification Sherloc (09022015). Collection method: clinical testing. Allele origin: germline.
Comment: This sequence change replaces glutamine, which is neutral and polar, with leucine, which is neutral and non-polar, at codon 136 of the ERBIN protein (p.Gln136Leu). This variant is present in population databases (no rsID available, gnomAD 0.01%). In summary, the available evidence is currently insufficient to determine the role of this variant in disease. Therefore, it has been classified as a Variant of Uncertain Significance. An algorithm developed to predict the effect of missense changes on protein structure and function (PolyPhen-2) suggests that this variant is likely to be disruptive. This variant has not been reported in the literature in individuals affected with ERBIN-related conditions.